The following is an entry in ClinVar:

ClinVar aggregate classification (germline): Uncertain significance (1 of 4 stars; one submission).

Conditions:
Cardiovascular phenotype. Identifiers: MedGen CN230736.

Submission:

Ambry Genetics
Classification: Uncertain significance for Cardiovascular phenotype. Last evaluated: 2024-04-19. Review status: criteria provided, single submitter. Criteria: Ambry Variant Classification Scheme 2023. Collection method: clinical testing. Allele origin: germline.
Comment: The p.V2420A variant (also known as c.7259T>C), located in coding exon 38 of the ANK2 gene, results from a T to C substitution at nucleotide position 7259. The valine at codon 2420 is replaced by alanine, an amino acid with similar properties. This amino acid position is conserved. In addition, this alteration is predicted to be tolerated by in silico analysis. Based on the available evidence, the clinical significance of this variant remains unclear.

NM_001148.6(ANK2):c.7259T>C (p.Val2420Ala)

Genes: ANK2 (ankyrin 2; plus strand), LOC126807137 (CDK7 strongly-dependent group 2 enhancer GRCh37_chr4:114276560-114277759; plus strand). Cytogenetic location: 4q26.
Variant type: single nucleotide variant.
Coding change: c.7259T>C on transcript NM_001148.6 (MANE Select); coding-DNA position 7259, T replaced by C.
Protein change: p.Val2420Ala; replaces valine 2420 with alanine.
Molecular consequence: missense variant. On other transcripts: intron variant (68).
Genome position (GRCh38, 1-based): chr4:113,355,877, T>C. VCF-style: chr4-113355877-T-C. GRCh37 (hg19) VCF-style: chr4-114277033-T-C.
Other names: c.7025T>C, p.Val2342Ala (NM_001386142.1); c.3659T>C, p.Val1220Ala (NM_001386166.1); c.7400T>C, p.Val2467Ala (NM_001386174.1); c.7376T>C, p.Val2459Ala (NM_001386175.1); c.4412-4946T>C (NM_001386186.2, NM_001386148.2); c.4214-4946T>C (NM_001354269.3); c.4292-4946T>C (NM_001386187.2); c.4253-4946T>C (NM_001386147.1); and 35 more; short protein forms V2420A, V2467A, V1220A, V2342A, V2459A.
Identifiers: ClinVar variation 3294924 (VCV003294924.1).
Genomic context (GRCh38, chr4:113,355,877, plus strand): 5'-AGGGAGTCATTAGAAGTCCCCAAGGGTTAGAACTTGCACTCCCTAGCCGAGATAGCGAAG[T>C]CCTCAGCGCTGTGGCTGATGACTCATTAGCAGTGAGCCACAAAGACTCTCTGGAAGCCAG-3'
Protein context (NP_001139.3, residues 2410-2430): ELALPSRDSE[Val2420Ala]LSAVADDSLA